The following is an entry in ClinVar:

ClinVar aggregate classification (germline): Uncertain significance. Review status: criteria provided, multiple submitters, no conflicts (2 of 4 stars). 3 submissions from 3 submitters: Uncertain significance (3). Last evaluated 2026-04-01.

Conditions:
Epidermolysis bullosa simplex with nail dystrophy (EBS5D). Identifiers: MedGen C4225309, MONDO:0014661, OMIM 616487.
Autosomal recessive limb-girdle muscular dystrophy type 2Q (LGMDR17). Also called: MUSCULAR DYSTROPHY, LIMB-GIRDLE, AUTOSOMAL RECESSIVE 17. Identifiers: Orphanet 254361, MedGen C3150989, MONDO:0013390, OMIM 613723.
Epidermolysis bullosa simplex 5B, with muscular dystrophy (EBS5B). Also called: EPIDERMOLYSIS BULLOSA SIMPLEX AND LIMB-GIRDLE MUSCULAR DYSTROPHY; Epidermolysis bullosa simplex with muscular dystrophy. Identifiers: Orphanet 257, MedGen C2931072, MONDO:0009181, OMIM 226670.
Epidermolysis bullosa simplex 5C, with pyloric atresia (EBS5C). Also called: PLEC-Related Epidermolysis Bullosa with Pyloric Atresia; Epidermolysis bullosa simplex with pyloric atresia; PLEC1-Related Epidermolysis Bullosa with Pyloric Atresia. Identifiers: Orphanet 158684, MedGen C2677349, MONDO:0012807, OMIM 612138.
Epidermolysis bullosa simplex, Ogna type (EBS5A). Also called: EPIDERMOLYSIS BULLOSA SIMPLEX 5A, OGNA TYPE; Pidermolysis bullosa simplex 5A, Ogna type. Identifiers: Orphanet 79401, MedGen C0432317, MONDO:0007555, OMIM 131950.

Allele frequency attached by ClinVar (database versions not stated): gnomAD exomes below 0.00001; gnomAD 0.00001.
gnomAD v4.1: 8 of 1,582,504 alleles (0.00051%); highest among the groups gnomAD compares: Admixed American, 0.0018%; no homozygotes.

Submissions (3):

Greenwood Genetic Center Diagnostic Laboratories, Greenwood Genetic Center
Classification: Uncertain significance. Last evaluated: 2026-04-01. Review status: criteria provided, single submitter. Criteria: ACMG Guidelines, 2015. Collection method: clinical testing. Allele origin: germline.
Comment: PM2, BP4

CeGaT Center for Human Genetics Tuebingen
Classification: Uncertain significance. Last evaluated: 2025-01-01. Review status: criteria provided, single submitter. Criteria: CeGaT Center For Human Genetics Tuebingen Variant Classification Criteria Version 2. Collection method: clinical testing. Allele origin: germline. Affected: yes. Observed: 1 variant allele.
Comment: PLEC: PM2

Labcorp Genetics (formerly Invitae), Labcorp
Classification: Uncertain significance for Autosomal recessive limb-girdle muscular dystrophy type 2Q; Epidermolysis bullosa simplex, Ogna type; Epidermolysis bullosa simplex with nail dystrophy; Epidermolysis bullosa simplex 5C, with pyloric atresia; Epidermolysis bullosa simplex 5B, with muscular dystrophy. Last evaluated: 2022-09-09. Review status: criteria provided, single submitter. Criteria: Invitae Variant Classification Sherloc (09022015). Collection method: clinical testing. Allele origin: germline.
Comment: This sequence change replaces aspartic acid, which is acidic and polar, with asparagine, which is neutral and polar, at codon 2376 of the PLEC protein (p.Asp2376Asn). In summary, the available evidence is currently insufficient to determine the role of this variant in disease. Therefore, it has been classified as a Variant of Uncertain Significance. Algorithms developed to predict the effect of missense changes on protein structure and function are either unavailable or do not agree on the potential impact of this missense change (SIFT: "Tolerated"; PolyPhen-2: "Probably Damaging"; Align-GVGD: "Class C0"). This variant has not been reported in the literature in individuals affected with PLEC-related conditions. This variant is present in population databases (no rsID available, gnomAD 0.001%).

NM_201384.3(PLEC):c.7045G>A (p.Asp2349Asn)

Gene: PLEC (plectin; minus strand). Cytogenetic location: 8q24.3.
Variant type: single nucleotide variant.
Coding change: c.7045G>A on transcript NM_201384.3 (MANE Select); coding-DNA position 7045, G replaced by A.
Protein change: p.Asp2349Asn; replaces aspartic acid 2349 with asparagine.
Molecular consequence: missense variant.
Genome position (GRCh38, 1-based): chr8:143,922,884, C>T on the plus strand (G>A on the coding strand, the complement: PLEC is on the minus strand). VCF-style: chr8-143922884-C-T. GRCh37 (hg19) VCF-style: chr8-144997052-C-T.
Other names: c.7126G>A, p.Asp2376Asn (NM_000445.5); c.7003G>A, p.Asp2335Asn (NM_201378.4); c.6979G>A, p.Asp2327Asn (NM_201379.3); c.7456G>A, p.Asp2486Asn (NM_201380.4); c.6949G>A, p.Asp2317Asn (NM_201381.3); c.7045G>A, p.Asp2349Asn (NM_201382.4); c.7057G>A, p.Asp2353Asn (NM_201383.3); short protein forms D2335N, D2376N, D2349N, D2353N, D2317N, D2486N, D2327N.
Identifiers: ClinVar variation 1923531 (VCV001923531.19), dbSNP rs1026661718, ClinGen allele CA187613916.